The following is an entry in ClinVar:

ClinVar aggregate classification (germline): Conflicting classifications of pathogenicity. Review status: criteria provided, conflicting classifications (1 of 4 stars). 4 submissions from 4 submitters: Pathogenic (2); Likely pathogenic (1); Uncertain significance (1). Last evaluated 2025-10-14.

Conditions:
Propionic acidemia (PROP). Also called: GLYCINEMIA, KETOTIC; HYPERGLYCINEMIA WITH KETOACIDOSIS AND LEUKOPENIA; KETOTIC HYPERGLYCINEMIA. Identifiers: Orphanet 35, MedGen C0268579, MONDO:0011628, OMIM 606054, HP:0003571.

Submissions (4):

Natera, Inc.
Classification: Likely pathogenic for Propionic acidemia. Last evaluated: 2025-10-14. Review status: criteria provided, single submitter. Criteria: Natera Variant Classification Schema (03/2026). Collection method: clinical testing. Allele origin: germline.
Comment: The c.1353+5_1353+9delGTTTA variant in PCCA is a frameshift variant predicted to shift the reading frame and introduce a stop codon. This variant is rare in the general population with a frequency below the threshold expected for the associated phenotype(s). This variant has been observed in one or more individuals affected with the associated recessive disease, as either homozygous or compound heterozygous with a second variant (PMID: 27227689). Functional studies show that this variant may disrupt protein function (PMID: 33923806). Given the available evidence, this variant is classified as Likely Pathogenic.

Labcorp Genetics (formerly Invitae), Labcorp
Classification: Uncertain significance for Propionic acidemia. Last evaluated: 2024-01-29. Review status: criteria provided, single submitter. Criteria: Invitae Variant Classification Sherloc (09022015). Collection method: clinical testing. Allele origin: germline.
Comment: This sequence change falls in intron 15 of the PCCA gene. It does not directly change the encoded amino acid sequence of the PCCA protein. It affects a nucleotide within the consensus splice site. This variant is present in population databases (rs764045674, gnomAD 0.01%). This variant has been observed in individual(s) with propionic acidemia (PMID: 25636094, 27227689). ClinVar contains an entry for this variant (Variation ID: 254165). Variants that disrupt the consensus splice site are a relatively common cause of aberrant splicing (PMID: 17576681, 9536098). Algorithms developed to predict the effect of sequence changes on RNA splicing suggest that this variant may disrupt the consensus splice site. In summary, the available evidence is currently insufficient to determine the role of this variant in disease. Therefore, it has been classified as a Variant of Uncertain Significance.

Laboratory of Inherited Metabolic Diseases, Research centre for medical genetics
Classification: Pathogenic for Propionic acidemia. Last evaluated: 2021-02-17. Review status: criteria provided, single submitter. Criteria: ACMG Guidelines, 2015. Collection method: research, in vitro. Allele origin: germline, not applicable. Affected: yes.
Comment: PS3, PM2, PM3_supportive, PP3, PP4

Institute of Medical Genetics and Genomics, Sir Ganga Ram Hospital
Classification: Pathogenic for Propionic Acidemia. Last evaluated: 2012-01-01. Review status: criteria provided, single submitter. Criteria: Gupta et al. (Genet Test Mol Biomarkers 2016). Collection method: research. Allele origin: germline. Affected: yes. Observed: 1 variant allele. Study: ORGANIC ACIDURIAS.
Comment: Splice site mutation

Literature cited by the submitters: PubMed 27227689 (cited by Natera, Inc. and Labcorp Genetics (formerly Invitae), Labcorp); PubMed 33923806 (cited by Natera, Inc.); PubMed 25636094 (cited by Labcorp Genetics (formerly Invitae), Labcorp); PubMed 17576681 (cited by Labcorp Genetics (formerly Invitae), Labcorp); PubMed 9536098 (cited by Labcorp Genetics (formerly Invitae), Labcorp).

NM_000282.4(PCCA):c.1353+5_1353+9del

Gene: PCCA (propionyl-CoA carboxylase subunit alpha; plus strand). Cytogenetic location: 13q32.3.
Variant type: Deletion.
Coding change: c.1353+5_1353+9del on transcript NM_000282.4 (MANE Select); bases 5 to 9 of the intron after coding-DNA position 1353, 5 bases deleted (GTTTA; older notation c.1353+5_1353+9delGTTTA).
Molecular consequence: splice donor variant.
Genome position (GRCh38, 1-based): chr13:100,307,265-100,307,269, GTTTA deleted; deleting any 5 consecutive bases within chr13:100,307,262-100,307,269 gives the same sequence; the c. name uses the placement nearest the transcript's 3' end. VCF-style (leftmost placement, unchanged base first): chr13-100307261-GTTAGT-G. GRCh37 (hg19) VCF-style: chr13-100959515-GTTAGT-G.
Other names: c.1353+5_1353+9del (NM_001178004.2, NM_001352605.2, NM_001352609.2); c.1209+5_1209+9del (NM_001352606.2); c.408+5_408+9del (NM_001352610.2, NM_001352611.2); c.264+5_264+9del (NM_001352612.2); c.1275+5_1275+9del (NM_001127692.3, NM_001352607.2); c.1131+5_1131+9del (NM_001352608.2); c.1353+5_1353+9delGTTTA (NM_000282.3).
Identifiers: ClinVar variation 254165 (VCV000254165.10), dbSNP rs764045674, ClinGen allele CA7033612.